The following is an entry in ClinVar:

NM_003060.4(SLC22A5):c.1147G>T (p.Glu383Ter)

Gene: SLC22A5 (solute carrier family 22 member 5; plus strand). Cytogenetic location: 5q31.1.
Variant type: single nucleotide variant.
Coding change: c.1147G>T on transcript NM_003060.4 (MANE Select); coding-DNA position 1147, G replaced by T.
Protein change: p.Glu383Ter; replaces glutamic acid 383 with a stop codon.
Molecular consequence: nonsense.
Genome position (GRCh38, 1-based): chr5:132,390,784, G>T. VCF-style: chr5-132390784-G-T. GRCh37 (hg19) VCF-style: chr5-131726476-G-T.
Other names: c.1219G>T, p.Glu407Ter (NM_001308122.2); short protein forms E383*, E407*.
Identifiers: ClinVar variation 1724800 (VCV001724800.2), dbSNP rs2532134294, ClinGen allele CA360807622.
Genomic context (GRCh38, chr5:132,390,784, plus strand): 5'-CTTGATACTCCTAACTTGCATGGGGACATCTTTGTGAACTGCTTCCTTTCAGCGATGGTT[G>T]AAGTCCCAGCATATGTGTTGGCCTGGCTGCTGCTGCAATATTTGCCCCGGCGCTATTCCA-3'

ClinVar aggregate classification (germline): Likely pathogenic (1 of 4 stars; one submission).

Conditions:
Renal carnitine transport defect (CDSP). Also called: CARNITINE DEFICIENCY, SYSTEMIC, DUE TO DEFECT IN RENAL REABSORPTION OF CARNITINE; CARNITINE TRANSPORTER, PLASMA-MEMBRANE, DEFICIENCY OF; CARNITINE UPTAKE DEFECT; Carnitine Deficiency, Systemic; Primary carnitine deficiency; Systemic primary carnitine deficiency. Identifiers: Orphanet 158, MedGen C0342788, MONDO:0008919, OMIM 212140.

Submission:

Myriad Genetics, Inc.
Classification: Likely pathogenic for Renal carnitine transport defect. Last evaluated: 2022-02-28. Review status: criteria provided, single submitter. Criteria: Myriad Women's Health Autosomal Recessive and X-Linked Classification Criteria (2021). Collection method: clinical testing. Allele origin: unknown.
Comment: NM_003060.3(SLC22A5):c.1147G>T(E383*) is expected to be pathogenic in the context of primary carnitine deficiency. This variant is predicted to lead to an abnormal or absent protein product due to the creation of a premature termination codon in SLC22A5, a gene where loss-of-function variants are known to be pathogenic. Please note: this variant was assessed in the context of healthy population screening.